The following is an entry in ClinVar:

ClinVar aggregate classification (germline): Uncertain significance. Review status: reviewed by expert panel (3 of 4 stars). 3 submissions from 3 submitters: Uncertain significance (1). 2 of the submissions do not count toward it. Last evaluated 2023-03-21.

Conditions:
Glanzmann thrombasthenia. Also called: BLEEDING DISORDER, PLATELET-TYPE, 2; THROMBASTHENIA OF GLANZMANN AND NAEGELI; Thrombasthenia; PLATELET GLYCOPROTEIN IIb-IIIa DEFICIENCY; Glanzmann's thrombasthenia. Identifiers: Orphanet 849, MedGen C0040015, MONDO:0100326.

Allele frequency attached by ClinVar (database versions not stated): gnomAD 0.00001; gnomAD exomes 0.00002; TOPMed 0.00005.
gnomAD v4.1: 28 of 1,587,860 alleles (0.0018%); highest among the groups gnomAD compares: East Asian, 0.014%; no homozygotes.

Submissions (3):

ClinGen Platelet Disorders Variant Curation Expert Panel, ClinGen
Classification: Uncertain significance for Glanzmann thrombasthenia. Last evaluated: 2023-03-21. Review status: reviewed by expert panel. Criteria: ClinGen Platelet ACMG Specifications v2-1. Collection method: curation. Allele origin: germline. Inheritance: Autosomal recessive inheritance.
Comment: The NM_000419.5(ITGA2B):c.2264G>A (p.Arg755Gln) missense variant has been reported in two related individuals previously (GT35a,b in PMID: 25728920) who additionally had two variants Arg131pro and c.777+1G>A on the ITGB3 gene which have been evaluated to be likely pathogenic and pathogenic respectively by ClinGen Platelet VCEP so the impact of the ITGA2B variant is unclear. The gnomADv2.1.1 allele frequency for the Latino subpopulation is 0.0001903 (6/31522 alleles) which is not <0.01%, therefore PM2_supporting is not met and REVEL score is 0.68, which is below the recommended threshold of >0.70. Another missense change at this residue, Arg755Pro, has been reported previously and assessed to be Likely Pathogenic by ClinGen Platelet Disorder VCEP (PM5_supporting). In summary, this variant meets criteria to be classified as uncertain significance for GT. GT-specific criteria applied: PM5_supporting.

Labcorp Genetics (formerly Invitae), Labcorp
Classification: Uncertain significance for Glanzmann thrombasthenia. Last evaluated: 2025-07-10. Review status: criteria provided, single submitter. Criteria: Invitae Variant Classification Sherloc (09022015). Collection method: clinical testing. Allele origin: germline. Not counted in ClinVar's aggregate classification.
Comment: This sequence change replaces arginine, which is basic and polar, with glutamine, which is neutral and polar, at codon 755 of the ITGA2B protein (p.Arg755Gln). The frequency data for this variant in the population databases is considered unreliable, as metrics indicate poor data quality at this position in the gnomAD database. This missense change has been observed in individual(s) with Glanzmann thrombasthenia (PMID: 25728920). ClinVar contains an entry for this variant (Variation ID: 2498357). Invitae Evidence Modeling of protein sequence and biophysical properties (such as structural, functional, and spatial information, amino acid conservation, physicochemical variation, residue mobility, and thermodynamic stability) has been performed for this missense variant. However, the output from this modeling did not meet the statistical confidence thresholds required to predict the impact of this variant on ITGA2B protein function. In summary, the available evidence is currently insufficient to determine the role of this variant in disease. Therefore, it has been classified as a Variant of Uncertain Significance.

Women's Health and Genetics/Laboratory Corporation of America, LabCorp
Classification: Uncertain significance. Last evaluated: 2023-06-07. Review status: criteria provided, single submitter. Criteria: LabCorp Variant Classification Summary - May 2015. Collection method: clinical testing. Allele origin: germline. Not counted in ClinVar's aggregate classification.
Comment: Variant summary: ITGA2B c.2264G>A (p.Arg755Gln) results in a conservative amino acid change in the encoded protein sequence. Three of five in-silico tools predict a damaging effect of the variant on protein function. Another missense variant affecting this residue (p.Arg755Pro) has been classified as likely pathogenic by a ClinGen expert panel. The variant allele was found at a frequency of 5.6e-05 in 212602 control chromosomes (gnomAD). c.2264G>A has been reported in the literature in two siblings affected with Glanzmann thrombasthenia 1 (Nurden_2015). This report does not provide unequivocal conclusions about association of the variant with Glanzmann thrombasthenia 1. Co-occurrences with other pathogenic/likely pathogenic variants were reported in the aforementioned individuals (ITGB3 c.392G>C, p.Arg131Pro; ITGB3 c.777+1G>A), providing supporting evidence for a benign role. To our knowledge, no experimental evidence demonstrating an impact on protein function has been reported. The following publication has been ascertained in the context of this evaluation (PMID: 25728920). One submitter, a ClinGen expert panel, has provided a clinical-significance assessment for this variant to ClinVar after 2014, and classified it as uncertain significance. Based on the evidence outlined above, the variant was classified as uncertain significance.

Literature cited by the submitters: PubMed 25728920 (cited by Labcorp Genetics (formerly Invitae), Labcorp and Women's Health and Genetics/Laboratory Corporation of America, LabCorp).

NM_000419.5(ITGA2B):c.2264G>A (p.Arg755Gln)

Gene: ITGA2B (integrin subunit alpha 2b; minus strand). Cytogenetic location: 17q21.31.
Variant type: single nucleotide variant.
Coding change: c.2264G>A on transcript NM_000419.5 (MANE Select); coding-DNA position 2264, G replaced by A.
Protein change: p.Arg755Gln; replaces arginine 755 with glutamine.
Molecular consequence: missense variant.
Genome position (GRCh38, 1-based): chr17:44,377,012, C>T on the plus strand (G>A on the coding strand, the complement: ITGA2B is on the minus strand). VCF-style: chr17-44377012-C-T. GRCh37 (hg19) VCF-style: chr17-42454380-C-T.
Other names: NM_000419.5:c.2264G>A; c.2264G>A (NM_000419.4); short protein forms R755Q.
Identifiers: ClinVar variation 2498357 (VCV002498357.4), dbSNP rs763762304, ClinGen allele CA8602771.